The following is an entry in ClinVar:

NM_003597.5(KLF11):c.699C>T (p.Pro233=)

Gene: KLF11 (KLF transcription factor 11; plus strand). Cytogenetic location: 2p25.1.
Variant type: single nucleotide variant.
Coding change: c.699C>T on transcript NM_003597.5 (MANE Select); coding-DNA position 699, C replaced by T.
Protein change: p.Pro233=; no amino-acid change (proline 233 retained).
Molecular consequence: synonymous variant.
Genome position (GRCh38, 1-based): chr2:10,048,036, C>T. VCF-style: chr2-10048036-C-T. GRCh37 (hg19) VCF-style: chr2-10188163-C-T.
Other names: c.648C>T, p.Pro216= (NM_001177716.2, NM_001177718.2).
Identifiers: ClinVar variation 3030340 (VCV003030340.2), dbSNP rs1033487145, ClinGen allele CA42429696.
Genomic context (GRCh38, chr2:10,048,036, plus strand): 5'-TTTGCAGGACACACACCTCACGGACAGTTTACTCAGCACTAACTTGGTGTCCTGTCAGCC[C>T]TGCTTGCACAAGTCTGGTGGCCTGCTGCTCACTGACAAAGGCCAGCAGGCAGGGTGGCCT-3'
Protein context (NP_003588.1, residues 223-243): LLSTNLVSCQ[Pro233=]CLHKSGGLLL

ClinVar aggregate classification (germline): Likely benign (0 of 4 stars; one submission).

Conditions:
KLF11-related disorder. Also called: KLF11-related condition.

Allele frequency attached by ClinVar (database versions not stated): gnomAD exomes below 0.00001; TOPMed 0.00002.
gnomAD v4.1: 6 of 1,614,110 alleles (0.00037%); highest among the groups gnomAD compares: African/African-American, 0.0013%; no homozygotes.

Submission:

PreventionGenetics, part of Exact Sciences
Classification: Likely benign for KLF11-related condition. Last evaluated: 2020-12-18. Review status: no assertion criteria provided. Collection method: clinical testing. Allele origin: germline.
Comment: This variant is classified as likely benign based on ACMG/AMP sequence variant interpretation guidelines (Richards et al. 2015 PMID: 25741868, with internal and published modifications).